The following is an entry in ClinVar:

ClinVar aggregate classification (germline): Uncertain significance (1 of 4 stars; one submission).

Submission:

Labcorp Genetics (formerly Invitae), Labcorp
Classification: Uncertain significance. Last evaluated: 2024-04-02. Review status: criteria provided, single submitter. Criteria: Invitae Variant Classification Sherloc (09022015). Collection method: clinical testing. Allele origin: germline.
Comment: This sequence change replaces alanine, which is neutral and non-polar, with aspartic acid, which is acidic and polar, at codon 1533 of the ITPR1 protein (p.Ala1533Asp). This variant is not present in population databases (gnomAD no frequency). This variant has not been reported in the literature in individuals affected with ITPR1-related conditions. ClinVar contains an entry for this variant (Variation ID: 1497034). Advanced modeling of protein sequence and biophysical properties (such as structural, functional, and spatial information, amino acid conservation, physicochemical variation, residue mobility, and thermodynamic stability) performed at Invitae indicates that this missense variant is not expected to disrupt ITPR1 protein function with a negative predictive value of 95%. In summary, the available evidence is currently insufficient to determine the role of this variant in disease. Therefore, it has been classified as a Variant of Uncertain Significance.

NM_001378452.1(ITPR1):c.4670C>A (p.Ala1557Asp)

Genes: BRRIAR (BHLHE40 and RIG-I regulating ITPR1 antisense RNA; minus strand), ITPR1 (inositol 1,4,5-trisphosphate receptor type 1; plus strand). Cytogenetic location: 3p26.1.
Variant type: single nucleotide variant.
Coding change: c.4670C>A on transcript NM_001378452.1 (MANE Select); coding-DNA position 4670, C replaced by A.
Protein change: p.Ala1557Asp; replaces alanine 1557 with aspartic acid.
Molecular consequence: missense variant.
Genome position (GRCh38, 1-based): chr3:4,706,179, C>A. VCF-style: chr3-4706179-C-A. GRCh37 (hg19) VCF-style: chr3-4747863-C-A.
Other names: c.4643C>A, p.Ala1548Asp (NM_001099952.4); c.4625C>A, p.Ala1542Asp (NM_001168272.2); c.4598C>A, p.Ala1533Asp (NM_002222.7); short protein forms A1542D, A1557D, A1533D, A1548D.
Identifiers: ClinVar variation 1497034 (VCV001497034.6), dbSNP rs949775870, ClinGen allele CA351634772.